The following is an entry in ClinVar:

NM_001377.3(DYNC2H1):c.11348A>C (p.His3783Pro)

Gene: DYNC2H1 (dynein cytoplasmic 2 heavy chain 1; plus strand). Cytogenetic location: 11q22.3.
Variant type: single nucleotide variant.
Coding change: c.11348A>C on transcript NM_001377.3 (MANE Select); coding-DNA position 11348, A replaced by C.
Protein change: p.His3783Pro; replaces histidine 3783 with proline.
Molecular consequence: missense variant.
Genome position (GRCh38, 1-based): chr11:103,304,686, A>C. VCF-style: chr11-103304686-A-C. GRCh37 (hg19) VCF-style: chr11-103175415-A-C.
Other names: c.11369A>C, p.His3790Pro (NM_001080463.2); short protein forms H3783P, H3790P.
Identifiers: ClinVar variation 1721723 (VCV001721723.4), dbSNP rs1431316741, ClinGen allele CA382261484.

ClinVar aggregate classification (germline): Uncertain significance (1 of 4 stars; one submission).

Conditions:
Jeune thoracic dystrophy. Also called: Jeune syndrome; Infantile thoracic dystrophy; Thoracic pelvic phalangeal dystrophy; Jeune's syndrome; Chondroectodermal dysplasia-like syndrome; Short-rib thoracic dysplasia. Identifiers: Orphanet 474, MedGen C0265275, MONDO:0018770.

gnomAD v4.1: 3 of 1,613,034 alleles (0.00019%); highest among the groups gnomAD compares: Admixed American, 0.0033%; no homozygotes.

Submission:

Labcorp Genetics (formerly Invitae), Labcorp
Classification: Uncertain significance for Jeune thoracic dystrophy. Last evaluated: 2026-01-19. Review status: criteria provided, single submitter. Criteria: Invitae Variant Classification Sherloc (09022015). Collection method: clinical testing. Allele origin: germline.
Comment: This sequence change replaces histidine, which is basic and polar, with proline, which is neutral and non-polar, at codon 3790 of the DYNC2H1 protein (p.His3790Pro). This variant is not present in population databases (gnomAD no frequency). This variant has not been reported in the literature in individuals affected with DYNC2H1-related conditions. ClinVar contains an entry for this variant (Variation ID: 1721723). Invitae Evidence Modeling of protein sequence and biophysical properties (such as structural, functional, and spatial information, amino acid conservation, physicochemical variation, residue mobility, and thermodynamic stability) indicates that this missense variant is expected to disrupt DYNC2H1 protein function with a positive predictive value of 95%. In summary, the available evidence is currently insufficient to determine the role of this variant in disease. Therefore, it has been classified as a Variant of Uncertain Significance.